The following is an entry in ClinVar:

NM_000038.6(APC):c.322G>T (p.Gly108Ter)

Gene: APC (APC regulator of Wnt signaling pathway; plus strand). Cytogenetic location: 5q22.2.
Variant type: single nucleotide variant.
Coding change: c.322G>T on transcript NM_000038.6 (MANE Select); coding-DNA position 322, G replaced by T.
Protein change: p.Gly108Ter; replaces glycine 108 with a stop codon.
Molecular consequence: nonsense. On other transcripts: 5 prime UTR variant (1).
Genome position (GRCh38, 1-based): chr5:112,767,290, G>T. VCF-style: chr5-112767290-G-T. GRCh37 (hg19) VCF-style: chr5-112102987-G-T.
Other names: c.322G>T, p.Gly108Ter (NM_001127510.3, NM_001354895.2, NM_001354896.2 and 2 more transcripts); c.352G>T, p.Gly118Ter (NM_001127511.3, NM_001354897.2, NM_001354902.2); c.247G>T, p.Gly83Ter (NM_001354898.2, NM_001354904.2); c.145G>T, p.Gly49Ter (NM_001354900.2, NM_001354901.2, NM_001354905.2); c.-714G>T (NM_001354906.2); short protein forms G108*, G118*, G83*, G49*.
Identifiers: ClinVar variation 1414145 (VCV001414145.6), dbSNP rs2149788717, ClinGen allele CA16022026.

ClinVar aggregate classification (germline): Pathogenic (1 of 4 stars; one submission).

Conditions:
Familial adenomatous polyposis 1 (FAP1). Also called: POLYPOSIS, ADENOMATOUS INTESTINAL; FAMILIAL ADENOMATOUS POLYPOSIS 1, ATTENUATED. Identifiers: MedGen C2713442, MONDO:0021056, OMIM 175100. Disease mechanism: loss of function.

Submission:

Labcorp Genetics (formerly Invitae), Labcorp
Classification: Pathogenic for Familial adenomatous polyposis 1. Last evaluated: 2021-03-29. Review status: criteria provided, single submitter. Criteria: Invitae Variant Classification Sherloc (09022015). Collection method: clinical testing. Allele origin: germline.
Comment: For these reasons, this variant has been classified as Pathogenic. This sequence change creates a premature translational stop signal (p.Gly108*) in the APC gene. It is expected to result in an absent or disrupted protein product. Loss-of-function variants in APC are known to be pathogenic (PMID: 17963004, 20685668). This variant is not present in population databases (ExAC no frequency). This variant has not been reported in the literature in individuals with APC-related conditions.

Literature cited by the submitters: PubMed 17963004; PubMed 20685668.